The following is an entry in ClinVar:

ClinVar aggregate classification (germline): Uncertain significance (1 of 4 stars; one submission).

Submission:

GeneDx
Classification: Uncertain significance. Last evaluated: 2025-08-19. Review status: criteria provided, single submitter. Criteria: GeneDx Variant Classification Process June 2021. Collection method: clinical testing. Allele origin: germline. Affected: yes.
Comment: Not observed at significant frequency in large population cohorts (gnomAD); In silico analysis supports a deleterious effect on splicing; Has not been previously published as pathogenic or benign to our knowledge

NM_000195.5(HPS1):c.507+4A>G

Gene: HPS1 (HPS1 biogenesis of lysosomal organelles complex 3 subunit 1; minus strand). Cytogenetic location: 10q24.2.
Variant type: single nucleotide variant.
Coding change: c.507+4A>G on transcript NM_000195.5 (MANE Select); 4 bases into the intron after coding-DNA position 507, A replaced by G.
Molecular consequence: intron variant. On other transcripts: 5 prime UTR variant (3), missense variant (5).
Genome position (GRCh38, 1-based): chr10:98,433,979, T>C on the plus strand (A>G on the coding strand, the complement: HPS1 is on the minus strand). VCF-style: chr10-98433979-T-C. GRCh37 (hg19) VCF-style: chr10-100193736-T-C.
Other names: c.507+4A>G (NM_001322476.2, NM_001322479.2, NM_001322477.2 and 3 more transcripts); c.138+4A>G (NM_001322485.2, NM_001322484.2, NM_001322483.2); c.-406A>G (NM_001311345.2, NM_001322489.2); c.368A>G, p.Asp123Gly (NM_001322480.2, NM_001322481.2, NM_001322482.2); c.-505A>G (NM_001322487.2); c.511A>G, p.Thr171Ala (NM_001322490.2, NM_001322492.2); short protein forms D123G, T171A.
Identifiers: ClinVar variation 4796663 (VCV004796663.1).